The following is an entry in ClinVar:

ClinVar aggregate classification (germline): Uncertain significance. Review status: criteria provided, multiple submitters, no conflicts (2 of 4 stars). 2 submissions from 2 submitters: Uncertain significance (2). Last evaluated 2025-01-25.

Conditions:
Oligodontia-cancer predisposition syndrome. Also called: TOOTH AGENESIS-COLORECTAL CANCER SYNDROME. Identifiers: Orphanet 300576, MedGen C1837750, MONDO:0012075, OMIM 608615. Disease mechanism: loss of function.
Hereditary cancer-predisposing syndrome. Also called: Hereditary neoplastic syndrome; Neoplastic Syndromes, Hereditary; Tumor predisposition; Hereditary Cancer Syndrome. Identifiers: Orphanet 140162, MedGen C0027672, MeSH D009386, MONDO:0015356.

Submissions (2):

Ambry Genetics
Classification: Uncertain significance for Hereditary cancer-predisposing syndrome. Last evaluated: 2025-01-25. Review status: criteria provided, single submitter. Criteria: Ambry Variant Classification Scheme 2023. Collection method: clinical testing. Allele origin: germline.
Comment: The p.K748E variant (also known as c.2242A>G), located in coding exon 9 of the AXIN2 gene, results from an A to G substitution at nucleotide position 2242. The lysine at codon 748 is replaced by glutamic acid, an amino acid with similar properties. This amino acid position is conserved. In addition, this alteration is predicted to be tolerated by in silico analysis. Based on the available evidence, the clinical significance of this variant remains unclear.

Labcorp Genetics (formerly Invitae), Labcorp
Classification: Uncertain significance for Oligodontia-cancer predisposition syndrome. Last evaluated: 2020-01-28. Review status: criteria provided, single submitter. Criteria: Invitae Variant Classification Sherloc (09022015). Collection method: clinical testing. Allele origin: germline.
Comment: In summary, the available evidence is currently insufficient to determine the role of this variant in disease. Therefore, it has been classified as a Variant of Uncertain Significance. Algorithms developed to predict the effect of missense changes on protein structure and function are either unavailable or do not agree on the potential impact of this missense change (SIFT: "Deleterious"; PolyPhen-2: "Benign"; Align-GVGD: "Class C0"). This variant has not been reported in the literature in individuals with AXIN2-related conditions. This variant is not present in population databases (ExAC no frequency). This sequence change replaces lysine with glutamic acid at codon 748 of the AXIN2 protein (p.Lys748Glu). The lysine residue is highly conserved and there is a small physicochemical difference between lysine and glutamic acid.

NM_004655.4(AXIN2):c.2242A>G (p.Lys748Glu)

Gene: AXIN2 (axin 2; minus strand). Cytogenetic location: 17q24.1.
Variant type: single nucleotide variant.
Coding change: c.2242A>G on transcript NM_004655.4 (MANE Select); coding-DNA position 2242, A replaced by G.
Protein change: p.Lys748Glu; replaces lysine 748 with glutamic acid.
Molecular consequence: missense variant.
Genome position (GRCh38, 1-based): chr17:65,534,075, T>C on the plus strand (A>G on the coding strand, the complement: AXIN2 is on the minus strand). VCF-style: chr17-65534075-T-C. GRCh37 (hg19) VCF-style: chr17-63530193-T-C.
Other names: c.2047A>G, p.Lys683Glu (NM_001363813.1); short protein forms K748E, K683E.
Identifiers: ClinVar variation 948452 (VCV000948452.10), dbSNP rs2043868542, ClinGen allele CA400675672.
Genomic context (GRCh38, chr17:65,534,075, plus strand): 5'-AAGTGACAACCAACTCACTGGCCTGGAGCGCGTGGACACCTGCCAGTTTCTTTGGCTCTT[T>C]GTGACTGAAAATAAGATGGAATGGAACAAGTTTAGCATTTTAAAGCAGACACACATCTAA-3'
Protein context (NP_004646.3, residues 738-758): SNPSLAPEDH[Lys748Glu]EPKKLAGVHA